The following is an entry in ClinVar:

NM_001374736.1(DST):c.2377A>T (p.Met793Leu)

Gene: DST (dystonin; minus strand). Cytogenetic location: 6p12.1.
Variant type: single nucleotide variant.
Coding change: c.2377A>T on transcript NM_001374736.1 (MANE Select); coding-DNA position 2377, A replaced by T.
Protein change: p.Met793Leu; replaces methionine 793 with leucine.
Molecular consequence: missense variant.
Genome position (GRCh38, 1-based): chr6:56,640,256, T>A on the plus strand (A>T on the coding strand, the complement: DST is on the minus strand). VCF-style: chr6-56640256-T-A. GRCh37 (hg19) VCF-style: chr6-56505054-T-A.
Other names: c.2278A>T, p.Met760Leu (NM_001144769.5); c.1864A>T, p.Met622Leu (NM_001144770.2); c.2377A>T, p.Met793Leu (NM_001374722.1); c.1744A>T, p.Met582Leu (NM_001374729.1, NM_001374730.1, NM_001386100.1 and 1 more transcripts); c.2404A>T, p.Met802Leu (NM_001374734.1); c.766A>T, p.Met256Leu (NM_001723.7, NM_015548.5); short protein forms M760L, M622L, M802L, M582L, M793L, M256L.
Identifiers: ClinVar variation 1511521 (VCV001511521.10), dbSNP rs1587521606, ClinGen allele CA364578469.

ClinVar aggregate classification (germline): Uncertain significance. Review status: criteria provided, multiple submitters, no conflicts (2 of 4 stars). 2 submissions from 2 submitters: Uncertain significance (2). Last evaluated 2022-03-02.

Conditions:
Inborn genetic diseases. Identifiers: MedGen C0950123, MeSH D030342.
Hereditary sensory and autonomic neuropathy type 6. Also called: Neuropathy, hereditary sensory and autonomic, type VI; HSAN VI. Identifiers: Orphanet 314381, MedGen C3539003, MONDO:0013839, OMIM 614653.
Epidermolysis bullosa simplex 3, localized or generalized intermediate, with BP230 deficiency (EBS3). Also called: Epidermolysis bullosa simplex due to BP230 deficiency; Epidermolysis bullosa simplex, autosomal recessive 2. Identifiers: Orphanet 412181, MedGen C3809470, MONDO:0014180, OMIM 615425.

Submissions (2):

Ambry Genetics
Classification: Uncertain significance for Inborn genetic diseases. Last evaluated: 2022-03-02. Review status: criteria provided, single submitter. Criteria: Ambry Variant Classification Scheme 2023. Collection method: clinical testing. Allele origin: germline.
Comment: The p.M760L variant (also known as c.2278A>T), located in coding exon 17 of the DST gene, results from an A to T substitution at nucleotide position 2278. The methionine at codon 760 is replaced by leucine, an amino acid with highly similar properties. This amino acid position is well conserved in available vertebrate species. In addition, this alteration is predicted to be deleterious by in silico analysis. Since supporting evidence is limited at this time, the clinical significance of this alteration remains unclear.

Labcorp Genetics (formerly Invitae), Labcorp
Classification: Uncertain significance for Epidermolysis bullosa simplex 3, localized or generalized intermediate, with BP230 deficiency; Hereditary sensory and autonomic neuropathy type 6. Last evaluated: 2021-02-18. Review status: criteria provided, single submitter. Criteria: Invitae Variant Classification Sherloc (09022015). Collection method: clinical testing. Allele origin: germline.
Comment: In summary, the available evidence is currently insufficient to determine the role of this variant in disease. Therefore, it has been classified as a Variant of Uncertain Significance. This sequence change replaces methionine with leucine at codon 256 of the DST protein (p.Met256Leu). The methionine residue is highly conserved and there is a small physicochemical difference between methionine and leucine. This variant is not present in population databases (ExAC no frequency). This variant has not been reported in the literature in individuals with DST-related conditions. Algorithms developed to predict the effect of missense changes on protein structure and function are either unavailable or do not agree on the potential impact of this missense change (SIFT: "Deleterious"; PolyPhen-2: "Benign"; Align-GVGD: "Class C0").